The following is an entry in ClinVar:

ClinVar aggregate classification (germline): Pathogenic (1 of 4 stars; one submission).

Submission:

GeneDx
Classification: Pathogenic. Last evaluated: 2023-01-09. Review status: criteria provided, single submitter. Criteria: GeneDx Variant Classification Process June 2021. Collection method: clinical testing. Allele origin: germline. Affected: yes.
Comment: Observed in hemizygous state in unrelated patients with EDA-related clinical features referred for genetic testing at GeneDx and in the literature (Parker et al., 2021) and not observed in hemizygous state in controls; Missense variants in this gene are often considered pathogenic (HGMD); In silico analysis supports that this missense variant has a deleterious effect on protein structure/function; Not observed at significant frequency in large population cohorts (gnomAD); This variant is associated with the following publications: (PMID: 33502802, 24077912)

NM_001399.5(EDA):c.929A>G (p.Tyr310Cys)

Gene: EDA (ectodysplasin A; plus strand). Cytogenetic location: Xq13.1.
Variant type: single nucleotide variant.
Coding change: c.929A>G on transcript NM_001399.5 (MANE Select); coding-DNA position 929, A replaced by G.
Protein change: p.Tyr310Cys; replaces tyrosine 310 with cysteine.
Molecular consequence: missense variant.
Genome position (GRCh38, 1-based): chrX:70,035,362, A>G. VCF-style: chrX-70035362-A-G. GRCh37 (hg19) VCF-style: chrX-69255212-A-G.
Other names: c.923A>G, p.Tyr308Cys (NM_001005609.2); c.914A>G, p.Tyr305Cys (NM_001005612.3); short protein forms Y305C, Y308C, Y310C.
Identifiers: ClinVar variation 1217540 (VCV001217540.4), dbSNP rs2147518914, ClinGen allele CA413449232.
Genomic context (GRCh38, chrX:70,035,362, plus strand): 5'-CCCCCCACCCTCTCTTTCCTCTCTTCCCCAATCCCTTCTTGTTGCCTCTCACTCAGGTAT[A>G]CTACATCAACTTCACTGACTTTGCCAGCTATGAGGTGGTGGTGGATGAGAAGCCCTTCCT-3'
Protein context (NP_001390.1, residues 300-320): TYFIYSQVEV[Tyr310Cys]YINFTDFASY